The following is an entry in ClinVar:

NM_015076.5(CDK19):c.82G>A (p.Gly28Arg)

Genes: AMD1 (adenosylmethionine decarboxylase 1; plus strand), CDK19 (cyclin dependent kinase 19; minus strand). Cytogenetic location: 6q21.
Variant type: single nucleotide variant.
Coding change: c.82G>A on transcript NM_015076.5 (MANE Select); coding-DNA position 82, G replaced by A.
Protein change: p.Gly28Arg; replaces glycine 28 with arginine.
Molecular consequence: missense variant. On other transcripts: intron variant (3).
Genome position (GRCh38, 1-based): chr6:110,815,055, C>T on the plus strand (G>A on the coding strand, the complement: CDK19 is on the minus strand). VCF-style: chr6-110815055-C-T. GRCh37 (hg19) VCF-style: chr6-111136258-C-T.
Other names: CDK19, GLY28ARG, c.82G-A; c.82G>A, p.Gly28Arg (NM_001300960.2); c.-53+753G>A (NM_001300964.2); c.-115+516G>A (NM_001300963.2); c.-98+240C>T (NM_001287215.2); short protein forms G28R.
Identifiers: ClinVar variation 975815 (VCV000975815.6), dbSNP rs1783519120, ClinGen allele CA365245605.

ClinVar aggregate classification (germline): Pathogenic. Review status: criteria provided, single submitter (1 of 4 stars). 3 submissions from 3 submitters: Pathogenic (1). 2 of the submissions do not count toward it.

Conditions:
Developmental and epileptic encephalopathy, 87. Also called: EPILEPTIC ENCEPHALOPATHY, EARLY INFANTILE, 87. Identifiers: MedGen C5394501, MONDO:0030059, OMIM 618916.

Submissions (3):

3billion
Classification: Pathogenic for Developmental and epileptic encephalopathy, 87. Review status: criteria provided, single submitter. Criteria: ACMG Guidelines, 2015. Collection method: clinical testing. Allele origin: unknown. Affected: yes. Observed: 1 heterozygote.
Comment: The variant is not observed in the gnomAD v2.1.1 dataset. The variant is located in a mutational hot spot and/or well-established functional domain in which established pathogenic variants have been reported. Missense changes are a common disease-causing mechanism. In silico tool predictions suggest damaging effect of the variant on gene or gene product (REVEL: 0.89; 3Cnet: 0.80). Same nucleotide change resulting in same amino acid change has been previously reported to be associated with CDK19 related disorder (ClinVar ID: VCV000975815 / PMID: 33495529). The variant has been previously reported as de novo in at least two similarly affected unrelated individuals (PMID: 33495529). A different missense change at the same codon (p.Gly28Ala) has been reported to be associated with CDK19 related disorder (ClinVar ID: VCV000973825 / PMID: 33495529). Therefore, this variant is classified as Pathogenic according to the recommendation of ACMG/AMP guideline.

OMIM
Classification: Pathogenic for DEVELOPMENTAL AND EPILEPTIC ENCEPHALOPATHY 87. Last evaluated: 2022-10-18. Review status: no assertion criteria provided. Collection method: literature only. Allele origin: germline. Not counted in ClinVar's aggregate classification.

Zarate Arkansas Children's Genetics Clinic, Arkansas Children's Hospital
Classification: Pathogenic for Developmental and epileptic encephalopathy, 87. Last evaluated: 2020-08-11. Review status: no assertion criteria provided. Collection method: clinical testing. Allele origin: de novo. Affected: yes. Observed: 2 variant alleles. Not counted in ClinVar's aggregate classification.
Comment: De novo variant, in conserved residue, absent in population databases, located in functional domain with other variants, functional studies demonstrate a damaging effect with reduced kinase activity compared to WT, other individuals with same substitution

Literature cited by the submitters: PubMed 33495529 (cited by 3billion and OMIM).